The following is an entry in ClinVar:

ClinVar aggregate classification (germline): Conflicting classifications of pathogenicity. Review status: criteria provided, conflicting classifications (1 of 4 stars). 3 submissions from 3 submitters: Uncertain significance (2); Likely benign (1). Last evaluated 2026-01-11.

Conditions:
Inborn genetic diseases. Identifiers: MedGen C0950123, MeSH D030342.

Allele frequency attached by ClinVar (database versions not stated): gnomAD exomes below 0.00001.
gnomAD v4.1: 6 of 1,440,288 alleles (0.00042%); highest among the groups gnomAD compares: African/African-American, 0.0074%; no homozygotes.

Submissions (3):

Labcorp Genetics (formerly Invitae), Labcorp
Classification: Likely benign. Last evaluated: 2026-01-11. Review status: criteria provided, single submitter. Criteria: Invitae Variant Classification Sherloc (09022015). Collection method: clinical testing. Allele origin: germline.

Ambry Genetics
Classification: Uncertain significance for Inborn genetic diseases. Last evaluated: 2025-09-11. Review status: criteria provided, single submitter. Criteria: Ambry Variant Classification Scheme 2023. Collection method: clinical testing. Allele origin: germline.

CeGaT Center for Human Genetics Tuebingen
Classification: Uncertain significance. Last evaluated: 2024-01-01. Review status: criteria provided, single submitter. Criteria: CeGaT Center For Human Genetics Tuebingen Variant Classification Criteria Version 2. Collection method: clinical testing. Allele origin: germline. Affected: yes. Observed: 1 variant allele.
Comment: SETBP1: PM2, PP2

NM_015559.3(SETBP1):c.4580C>T (p.Pro1527Leu)

Gene: SETBP1 (SET binding protein 1; plus strand). Cytogenetic location: 18q12.3.
Variant type: single nucleotide variant.
Coding change: c.4580C>T on transcript NM_015559.3 (MANE Select); coding-DNA position 4580, C replaced by T.
Protein change: p.Pro1527Leu; replaces proline 1527 with leucine.
Molecular consequence: missense variant.
Genome position (GRCh38, 1-based): chr18:45,063,487, C>T. VCF-style: chr18-45063487-C-T. GRCh37 (hg19) VCF-style: chr18-42643452-C-T.
Other names: c.4580C>T (NM_015559.2); c.4580C>T, p.Pro1527Leu (NM_001379141.1, NM_001379142.1); c.4409C>T, p.Pro1470Leu (NM_001410862.1); short protein forms P1527L, P1470L.
Identifiers: ClinVar variation 2050642 (VCV002050642.27), dbSNP rs2073922219, ClinGen allele CA402483722.
Genomic context (GRCh38, chr18:45,063,487, plus strand): 5'-CCACCATCGAGGCGGTCATCCACATGGCCCGGGAGGCGCCGCCCCTGCCCCCGCCACCGC[C>T]GCCGCCCCTGCCGCCACCGCCGCCACCACCCCTGCCCCCGCCACCCCCTCTACCCAAGAC-3'
Protein context (NP_056374.2, residues 1517-1537): REAPPLPPPP[Pro1527Leu]PPLPPPPPPP